The following is an entry in ClinVar:

NM_001110556.2(FLNA):c.521G>A (p.Gly174Asp)

Gene: FLNA (filamin A; minus strand). Cytogenetic location: Xq28.
Variant type: single nucleotide variant.
Coding change: c.521G>A on transcript NM_001110556.2 (MANE Select); coding-DNA position 521, G replaced by A.
Protein change: p.Gly174Asp; replaces glycine 174 with aspartic acid.
Molecular consequence: missense variant.
Genome position (GRCh38, 1-based): chrX:154,367,943, C>T on the plus strand (G>A on the coding strand, the complement: FLNA is on the minus strand). VCF-style: chrX-154367943-C-T. GRCh37 (hg19) VCF-style: chrX-153596311-C-T.
Other names: c.521G>A, p.Gly174Asp (NM_001456.4); short protein forms G174D.
Identifiers: ClinVar variation 520902 (VCV000520902.6), dbSNP rs1557179659, ClinGen allele CA415249644.

ClinVar aggregate classification (germline): Conflicting classifications of pathogenicity. Review status: criteria provided, conflicting classifications (1 of 4 stars). 3 submissions from 3 submitters: Pathogenic (1); Uncertain significance (2). Last evaluated 2024-10-05.

Conditions:
Inborn genetic diseases. Identifiers: MedGen C0950123, MeSH D030342.

Submissions (3):

GeneDx
Classification: Uncertain significance. Last evaluated: 2024-10-05. Review status: criteria provided, single submitter. Criteria: GeneDx Variant Classification Process June 2021. Collection method: clinical testing. Allele origin: germline. Affected: yes.
Comment: Not observed at significant frequency in large population cohorts (gnomAD); In silico analysis supports that this missense variant has a deleterious effect on protein structure/function; Has not been previously published as pathogenic or benign to our knowledge

Women's Health and Genetics/Laboratory Corporation of America, LabCorp
Classification: Uncertain significance. Last evaluated: 2024-01-04. Review status: criteria provided, single submitter. Criteria: LabCorp Variant Classification Summary - May 2015. Collection method: clinical testing. Allele origin: germline.
Comment: Variant summary: FLNA c.521G>A (p.Gly174Asp) results in a non-conservative amino acid change located in the calponin homology domain (IPR001715) of the encoded protein sequence. Five of five in-silico tools predict a damaging effect of the variant on protein function. The variant was absent in 181295 control chromosomes (gnomAD). The available data on variant occurrences in the general population are insufficient to allow any conclusion about variant significance. To our knowledge, no occurrence of c.521G>A in individuals affected with Periventricular Nodular Heterotopia 1 and no experimental evidence demonstrating its impact on protein function have been reported. ClinVar contains an entry for this variant (Variation ID: 520902). Based on the evidence outlined above, the variant was classified as uncertain significance.

Ambry Genetics
Classification: Pathogenic for Inborn genetic diseases. Last evaluated: 2016-01-14. Review status: criteria provided, single submitter. Criteria: Ambry exome assertion method (8-5-2015). Collection method: clinical testing. Allele origin: germline. Affected: yes. Observed: 1 variant allele.